The following is an entry in ClinVar:

ClinVar aggregate classification (germline): Uncertain significance (1 of 4 stars; one submission).

Submission:

GeneDx
Classification: Uncertain significance. Last evaluated: 2023-06-08. Review status: criteria provided, single submitter. Criteria: GeneDx Variant Classification Process June 2021. Collection method: clinical testing. Allele origin: germline. Affected: yes.
Comment: Not observed at significant frequency in large population cohorts (gnomAD); In silico analysis supports that this missense variant does not alter protein structure/function; Has not been previously published as pathogenic or benign to our knowledge

NM_018060.4(IARS2):c.208A>G (p.Ser70Gly)

Gene: IARS2 (isoleucyl-tRNA synthetase 2, mitochondrial; plus strand). Cytogenetic location: 1q41.
Variant type: single nucleotide variant.
Coding change: c.208A>G on transcript NM_018060.4 (MANE Select); coding-DNA position 208, A replaced by G.
Protein change: p.Ser70Gly; replaces serine 70 with glycine.
Molecular consequence: missense variant.
Genome position (GRCh38, 1-based): chr1:220,094,424, A>G. VCF-style: chr1-220094424-A-G. GRCh37 (hg19) VCF-style: chr1-220267766-A-G.
Other names: short protein forms S70G.
Identifiers: ClinVar variation 3253074 (VCV003253074.1), dbSNP rs2528482297.